The following is an entry in ClinVar:

NM_001370466.1(NOD2):c.565+4G>A

Gene: NOD2 (nucleotide binding oligomerization domain containing 2; plus strand). Cytogenetic location: 16q12.1.
Variant type: single nucleotide variant.
Coding change: c.565+4G>A on transcript NM_001370466.1 (MANE Select); 4 bases into the intron after coding-DNA position 565, G replaced by A.
Molecular consequence: intron variant.
Genome position (GRCh38, 1-based): chr16:50,707,964, G>A. VCF-style: chr16-50707964-G-A. GRCh37 (hg19) VCF-style: chr16-50741875-G-A.
Other names: c.646+4G>A (NM_022162.3); c.565+4G>A (NM_001293557.2).
Identifiers: ClinVar variation 1511655 (VCV001511655.6), dbSNP rs776802652, ClinGen allele CA622233163.

ClinVar aggregate classification (germline): Uncertain significance (1 of 4 stars; one submission).

Conditions:
Blau syndrome (BLAUS). Also called: GRANULOMATOSIS, FAMILIAL JUVENILE SYSTEMIC; GRANULOMATOSIS, FAMILIAL, BLAU TYPE; GRANULOMATOUS INFLAMMATORY ARTHRITIS, DERMATITIS, AND UVEITIS, FAMILIAL; JABS SYNDROME; ARTHROCUTANEOUVEAL GRANULOMATOSIS. Identifiers: Orphanet 90340, MedGen C5201146, MONDO:0008523, OMIM 186580.
Regional enteritis. Also called: Enteritis, Granulomatous. Identifiers: MedGen C0678202, MeSH D003424.

Allele frequency attached by ClinVar (database versions not stated): gnomAD 0.00001.
gnomAD v4.1: 12 of 1,593,000 alleles (0.00075%); highest among the groups gnomAD compares: Non-Finnish European, 0.001%; no homozygotes.

Submission:

Labcorp Genetics (formerly Invitae), Labcorp
Classification: Uncertain significance for Regional enteritis; Blau syndrome. Last evaluated: 2024-04-10. Review status: criteria provided, single submitter. Criteria: Invitae Variant Classification Sherloc (09022015). Collection method: clinical testing. Allele origin: germline.
Comment: This sequence change falls in intron 3 of the NOD2 gene. It does not directly change the encoded amino acid sequence of the NOD2 protein. It affects a nucleotide within the consensus splice site. This variant is present in population databases (no rsID available, gnomAD 0.007%). This variant has not been reported in the literature in individuals affected with NOD2-related conditions. ClinVar contains an entry for this variant (Variation ID: 1511655). Variants that disrupt the consensus splice site are a relatively common cause of aberrant splicing (PMID: 17576681, 9536098). Algorithms developed to predict the effect of sequence changes on RNA splicing suggest that this variant is not likely to affect RNA splicing. In summary, the available evidence is currently insufficient to determine the role of this variant in disease. Therefore, it has been classified as a Variant of Uncertain Significance.

Literature cited by the submitters: PubMed 17576681; PubMed 9536098.